The following is an entry in ClinVar:

ClinVar aggregate classification (germline): Pathogenic (1 of 4 stars; one submission).

Conditions:
Neurofibromatosis, type 1 (NF1). Also called: VON RECKLINGHAUSEN DISEASE; NEUROFIBROMATOSIS, TYPE I, SOMATIC; Peripheral type neurofibromatosis; Neurofibromatosis, type I. Identifiers: Orphanet 636, MedGen C0027831, MONDO:0018975, OMIM 162200. Disease mechanism: loss of function.

Submission:

Labcorp Genetics (formerly Invitae), Labcorp
Classification: Pathogenic for Neurofibromatosis, type 1. Last evaluated: 2024-07-23. Review status: criteria provided, single submitter. Criteria: Invitae Variant Classification Sherloc (09022015). Collection method: clinical testing. Allele origin: germline.
Comment: This sequence change creates a premature translational stop signal (p.Gly1876Valfs*28) in the NF1 gene. It is expected to result in an absent or disrupted protein product. Loss-of-function variants in NF1 are known to be pathogenic (PMID: 10712197, 23913538). This variant is not present in population databases (gnomAD no frequency). This variant has not been reported in the literature in individuals affected with NF1-related conditions. For these reasons, this variant has been classified as Pathogenic.

Literature cited by the submitters: PubMed 10712197; PubMed 23913538.

NM_001042492.3(NF1):c.5688del (p.Gly1897fs)

Gene: NF1 (neurofibromin 1; plus strand). Cytogenetic location: 17q11.2.
Variant type: Deletion.
Coding change: c.5688del on transcript NM_001042492.3 (MANE Select); coding-DNA position 5688, one base deleted (A; older notation c.5688delA).
Protein change: p.Gly1897fs; shifts the reading frame from glycine 1897.
Molecular consequence: frameshift variant.
Genome position (GRCh38, 1-based): chr17:31,330,374, A deleted. VCF-style (leftmost placement, unchanged base first): chr17-31330373-CA-C. GRCh37 (hg19) VCF-style: chr17-29657391-CA-C.
Other names: c.5625delA, p.Gly1876Valfs (NM_000267.4); short protein forms G1876fs, G1897fs.
Identifiers: ClinVar variation 3605474 (VCV003605474.2).